The following is an entry in ClinVar:

NM_173598.6(KSR2):c.1739C>T (p.Pro580Leu)

Gene: KSR2 (kinase suppressor of ras 2; minus strand). Cytogenetic location: 12q24.22.
Variant type: single nucleotide variant.
Coding change: c.1739C>T on transcript NM_173598.6 (MANE Select); coding-DNA position 1739, C replaced by T.
Protein change: p.Pro580Leu; replaces proline 580 with leucine.
Molecular consequence: missense variant.
Genome position (GRCh38, 1-based): chr12:117,531,004, G>A on the plus strand (C>T on the coding strand, the complement: KSR2 is on the minus strand). VCF-style: chr12-117531004-G-A. GRCh37 (hg19) VCF-style: chr12-117968809-G-A.
Other names: short protein forms P580L.
Identifiers: ClinVar variation 3351855 (VCV003351855.1).

ClinVar aggregate classification (germline): Uncertain significance (0 of 4 stars; one submission).

Conditions:
KSR2-related disorder. Also called: KSR2-related condition.

gnomAD v4.1: 6 of 1,613,208 alleles (0.00037%); highest among the groups gnomAD compares: African/African-American, 0.0013%; no homozygotes.

Submission:

PreventionGenetics, part of Exact Sciences
Classification: Uncertain significance for KSR2-related condition. Last evaluated: 2024-07-15. Review status: no assertion criteria provided. Collection method: clinical testing. Allele origin: germline.
Comment: The KSR2 c.1652C>T variant is predicted to result in the amino acid substitution p.Pro551Leu. To our knowledge, this variant has not been reported in the literature or in a large population database, indicating this variant is rare. At this time, the clinical significance of this variant is uncertain due to the absence of conclusive functional and genetic evidence.